The following is an entry in ClinVar:

NM_032120.4(RBM48):c.1031_1032del (p.Val344fs)

Gene: RBM48 (RNA binding motif protein 48; plus strand). Cytogenetic location: 7q21.2.
Variant type: Microsatellite.
Coding change: c.1031_1032del on transcript NM_032120.4 (MANE Select); coding-DNA positions 1031 to 1032, 2 bases deleted (TG; older notation c.1031_1032delTG).
Protein change: p.Val344fs; shifts the reading frame from valine 344.
Molecular consequence: frameshift variant. On other transcripts: 3 prime UTR variant (1).
Genome position (GRCh38, 1-based): chr7:92,536,864-92,536,865, TG deleted; deleting any 2 consecutive bases within chr7:92,536,862-92,536,865 gives the same sequence; the c. name uses the placement nearest the transcript's 3' end. VCF-style (leftmost placement, unchanged base first): chr7-92536861-CTG-C. GRCh37 (hg19) VCF-style: chr7-92166175-CTG-C.
Other names: c.*8TG[1] (NM_001363366.1); c.506_507del, p.Val169fs (NM_001363367.1); short protein forms V169fs, V344fs.
Identifiers: ClinVar variation 2800975 (VCV002800975.3), dbSNP rs2484747235, ClinGen allele CA2739266536.
Genomic context (GRCh38, chr7:92,536,861, plus strand): 5'-CCTGTGCTATAGAAACTAAGTTTTAATGGTTCTTTTTTTTTTTTAATTAGGTAATTTCAT[CTG>C]TGCCAAAGCCTCCAGAGGACAAGCCAGAAGATGTACATACAAGTCATCCATTAAAACAAA-3'

ClinVar aggregate classification (germline): Uncertain significance (1 of 4 stars; one submission).

Submission:

Labcorp Genetics (formerly Invitae), Labcorp
Classification: Uncertain significance. Last evaluated: 2025-09-15. Review status: criteria provided, single submitter. Criteria: Invitae Variant Classification Sherloc (09022015). Collection method: clinical testing. Allele origin: germline.
Comment: This sequence change is expected to alter the c-terminus of the RBM48 protein (p.Val344Alafs*34). While this is not anticipated to result in nonsense mediated decay, it is expected to disrupt the last 24 amino acid(s) of the RBM48 protein and extend the protein by 9 additional amino acid residues. This variant is not present in population databases (gnomAD no frequency). This variant has not been reported in the literature in individuals affected with RBM48-related conditions. In summary, the available evidence is currently insufficient to determine the role of this variant in disease. Therefore, it has been classified as a Variant of Uncertain Significance.